The following is an entry in ClinVar:

NM_138694.4(PKHD1):c.1420C>A (p.His474Asn)

Gene: PKHD1 (PKHD1 ciliary IPT domain containing fibrocystin/polyductin; minus strand). Cytogenetic location: 6p12.2.
Variant type: single nucleotide variant.
Coding change: c.1420C>A on transcript NM_138694.4 (MANE Select); coding-DNA position 1420, C replaced by A.
Protein change: p.His474Asn; replaces histidine 474 with asparagine.
Molecular consequence: missense variant.
Genome position (GRCh38, 1-based): chr6:52,058,415, G>T on the plus strand (C>A on the coding strand, the complement: PKHD1 is on the minus strand). VCF-style: chr6-52058415-G-T. GRCh37 (hg19) VCF-style: chr6-51923213-G-T.
Other names: c.1420C>A, p.His474Asn (NM_170724.3); short protein forms H474N.
Identifiers: ClinVar variation 1302699 (VCV001302699.8), dbSNP rs760766190, ClinGen allele CA3853563.

ClinVar aggregate classification (germline): Uncertain significance. Review status: criteria provided, multiple submitters, no conflicts (2 of 4 stars). 5 submissions from 5 submitters: Uncertain significance (4). 1 of the submissions does not count toward it. Last evaluated 2024-06-03.

Conditions:
Polycystic kidney disease 4 (PKD4). Also called: POLYCYSTIC KIDNEY DISEASE 4 WITH OR WITHOUT POLYCYSTIC LIVER DISEASE; Autosomal Recessive Polycystic Kidney Disease – PKHD1; POLYCYSTIC KIDNEY AND HEPATIC DISEASE 1; POLYCYSTIC KIDNEY DISEASE, INFANTILE, TYPE I; PKD3. Identifiers: MedGen C4540575, MONDO:0033004, OMIM 263200.
PKHD1-related disorder. Also called: PKHD1-related condition.
Inborn genetic diseases. Identifiers: MedGen C0950123, MeSH D030342.

Allele frequency attached by ClinVar (database versions not stated): ExAC 0.00001; gnomAD exomes 0.00001 and 0.00002; TOPMed 0.00001; gnomAD 0.00003 and 0.00004.
gnomAD v4.1: 39 of 1,614,018 alleles (0.0024%); highest among the groups gnomAD compares: Non-Finnish European, 0.003%; no homozygotes.

Submissions (5):

Fulgent Genetics
Classification: Uncertain significance for Polycystic kidney disease 4. Last evaluated: 2024-06-03. Review status: criteria provided, single submitter. Criteria: ACMG Guidelines, 2015. Collection method: clinical testing. Allele origin: germline.

GeneDx
Classification: Uncertain significance. Last evaluated: 2024-04-04. Review status: criteria provided, single submitter. Criteria: GeneDx Variant Classification Process June 2021. Collection method: clinical testing. Allele origin: germline. Affected: yes.
Comment: Has not been previously published as pathogenic or benign to our knowledge; In silico analysis supports that this missense variant has a deleterious effect on protein structure/function; Not observed at significant frequency in large population cohorts (gnomAD)

Blueprint Genetics
Classification: Uncertain significance. Last evaluated: 2023-10-30. Review status: criteria provided, single submitter. Criteria: ACMG Guidelines, 2015. Collection method: clinical testing. Allele origin: germline.

Ambry Genetics
Classification: Uncertain significance for Inborn genetic diseases. Last evaluated: 2022-12-19. Review status: criteria provided, single submitter. Criteria: Ambry Variant Classification Scheme 2023. Collection method: clinical testing. Allele origin: germline.

PreventionGenetics, part of Exact Sciences
Classification: Uncertain significance for PKHD1-related condition. Last evaluated: 2024-01-29. Review status: no assertion criteria provided. Collection method: clinical testing. Allele origin: germline. Not counted in ClinVar's aggregate classification.
Comment: The PKHD1 c.1420C>A variant is predicted to result in the amino acid substitution p.His474Asn. To our knowledge, this variant has not been reported in the literature. This variant is reported in 0.0023% of alleles in individuals of European (Non-Finnish) descent in gnomAD. A different variant affecting the same amino acid (p.His474Pro) along with a second variant in this gene was reported in an individual with autosomal recessive polycystic kidney disease (Table 2, Ishiko. 2022. PubMed ID: 34536170). This variant could be pathogenic. At this time, the clinical significance of this variant is uncertain due to the absence of conclusive functional and genetic evidence.